The following is an entry in ClinVar:

NM_002734.5(PRKAR1A):c.957del (p.Pro320fs)

Gene: PRKAR1A (protein kinase cAMP-dependent type I regulatory subunit alpha; plus strand). Cytogenetic location: 17q24.2.
Variant type: Deletion.
Coding change: c.957del on transcript NM_002734.5 (MANE Select); coding-DNA position 957, one base deleted (G; older notation c.957delG).
Protein change: p.Pro320fs; shifts the reading frame from proline 320.
Molecular consequence: frameshift variant.
Genome position (GRCh38, 1-based): chr17:68,529,985, G deleted; the last of 4 consecutive G bases (chr17:68,529,982-68,529,985); deleting any one gives the same sequence. VCF-style (leftmost placement, unchanged base first): chr17-68529981-TG-T. GRCh37 (hg19) VCF-style: chr17-66526122-TG-T.
Other names: c.957del, p.Pro320fs (NM_001276289.2, NM_001276290.1, NM_001278433.2 and 4 more transcripts); short protein forms P320fs.
Identifiers: ClinVar variation 1253843 (VCV001253843.4), dbSNP rs2143383985, ClinGen allele CA2499224876.

ClinVar aggregate classification (germline): Pathogenic. Review status: criteria provided, multiple submitters, no conflicts (2 of 4 stars). 2 submissions from 2 submitters: Pathogenic (2). Last evaluated 2024-11-12.

Conditions:
Carney complex, type 1 (CNC1). Also called: CARNEY MYXOMA-ENDOCRINE COMPLEX; CARNEY COMPLEX, TYPE I. Identifiers: Orphanet 1359, MedGen C2607929, MONDO:0008057, OMIM 160980.

Submissions (2):

Labcorp Genetics (formerly Invitae), Labcorp
Classification: Pathogenic for Carney complex, type 1. Last evaluated: 2024-11-12. Review status: criteria provided, single submitter. Criteria: Invitae Variant Classification Sherloc (09022015). Collection method: clinical testing. Allele origin: germline.
Comment: This sequence change creates a premature translational stop signal (p.Pro320Leufs*11) in the PRKAR1A gene. While this is not anticipated to result in nonsense mediated decay, it is expected to disrupt the last 62 amino acid(s) of the PRKAR1A protein. This variant is not present in population databases (gnomAD no frequency). This variant has not been reported in the literature in individuals affected with PRKAR1A-related conditions. ClinVar contains an entry for this variant (Variation ID: 1253843). This variant disrupts a region of the PRKAR1A protein in which other variant(s) (p.Arg368*) have been determined to be pathogenic (PMID: 21651393, 22464250, 28804209). This suggests that this is a clinically significant region of the protein, and that variants that disrupt it are likely to be disease-causing. For these reasons, this variant has been classified as Pathogenic.

GeneDx
Classification: Pathogenic. Last evaluated: 2021-08-10. Review status: criteria provided, single submitter. Criteria: GeneDx Variant Classification Process June 2021. Collection method: clinical testing. Allele origin: germline. Affected: yes.
Comment: Frameshift variant predicted to result in protein truncation or nonsense mediated decay in a gene for which loss-of-function is a known mechanism of disease; Not observed at significant frequency in large population cohorts (Lek et al., 2016); Has not been previously published as pathogenic or benign to our knowledge; This variant is associated with the following publications: (PMID: 24363928)

Literature cited by the submitters: PubMed 21651393 (cited by Labcorp Genetics (formerly Invitae), Labcorp); PubMed 22464250 (cited by Labcorp Genetics (formerly Invitae), Labcorp); PubMed 28804209 (cited by Labcorp Genetics (formerly Invitae), Labcorp).